The following is an entry in ClinVar:

NM_005618.4(DLL1):c.626A>G (p.Glu209Gly)

Gene: DLL1 (delta like canonical Notch ligand 1; minus strand). Cytogenetic location: 6q27.
Variant type: single nucleotide variant.
Coding change: c.626A>G on transcript NM_005618.4 (MANE Select); coding-DNA position 626, A replaced by G.
Protein change: p.Glu209Gly; replaces glutamic acid 209 with glycine.
Molecular consequence: missense variant.
Genome position (GRCh38, 1-based): chr6:170,288,283, T>C on the plus strand (A>G on the coding strand, the complement: DLL1 is on the minus strand). VCF-style: chr6-170288283-T-C. GRCh37 (hg19) VCF-style: chr6-170597371-T-C.
Other names: short protein forms E209G.
Identifiers: ClinVar variation 1994931 (VCV001994931.4), dbSNP rs2483357783, ClinGen allele CA366509153.

ClinVar aggregate classification (germline): Uncertain significance (1 of 4 stars; one submission).

Submission:

Labcorp Genetics (formerly Invitae), Labcorp
Classification: Uncertain significance. Last evaluated: 2022-05-15. Review status: criteria provided, single submitter. Criteria: Invitae Variant Classification Sherloc (09022015). Collection method: clinical testing. Allele origin: germline.
Comment: This variant has not been reported in the literature in individuals affected with DLL1-related conditions. In summary, the available evidence is currently insufficient to determine the role of this variant in disease. Therefore, it has been classified as a Variant of Uncertain Significance. Algorithms developed to predict the effect of missense changes on protein structure and function are either unavailable or do not agree on the potential impact of this missense change (SIFT: "Deleterious"; PolyPhen-2: "Benign"; Align-GVGD: "Class C0"). This variant is not present in population databases (gnomAD no frequency). This sequence change replaces glutamic acid, which is acidic and polar, with glycine, which is neutral and non-polar, at codon 209 of the DLL1 protein (p.Glu209Gly).